The following is an entry in ClinVar:

ClinVar aggregate classification (germline): Uncertain significance (1 of 4 stars; one submission).

Conditions:
Long QT syndrome (LQTS). Identifiers: MedGen C0023976, MeSH D008133, MONDO:0002442. Disease mechanism: loss of function. Inheritance: Various modes of inheritance.

Allele frequency attached by ClinVar (database versions not stated): gnomAD 0.00001; TOPMed 0.00001.
gnomAD v4.1: 9 of 1,614,002 alleles (0.00056%); highest among the groups gnomAD compares: East Asian, 0.0022%; no homozygotes.

Submission:

Labcorp Genetics (formerly Invitae), Labcorp
Classification: Uncertain significance for Long QT syndrome. Last evaluated: 2023-10-28. Review status: criteria provided, single submitter. Criteria: Invitae Variant Classification Sherloc (09022015). Collection method: clinical testing. Allele origin: germline.
Comment: This sequence change replaces threonine, which is neutral and polar, with methionine, which is neutral and non-polar, at codon 1945 of the ANK2 protein (p.Thr1945Met). This variant is present in population databases (rs762027070, gnomAD 0.006%). This variant has not been reported in the literature in individuals affected with ANK2-related conditions. Algorithms developed to predict the effect of missense changes on protein structure and function output the following: SIFT: "Not Available"; PolyPhen-2: "Benign"; Align-GVGD: "Not Available". The methionine amino acid residue is found in multiple mammalian species, which suggests that this missense change does not adversely affect protein function. In summary, the available evidence is currently insufficient to determine the role of this variant in disease. Therefore, it has been classified as a Variant of Uncertain Significance.

NM_001148.6(ANK2):c.5834C>T (p.Thr1945Met)

Genes: ANK2 (ankyrin 2; plus strand), LOC126807136 (MED14-independent group 3 enhancer GRCh37_chr4:114274931-114276130; plus strand). Cytogenetic location: 4q26.
Variant type: single nucleotide variant.
Coding change: c.5834C>T on transcript NM_001148.6 (MANE Select); coding-DNA position 5834, C replaced by T.
Protein change: p.Thr1945Met; replaces threonine 1945 with methionine.
Molecular consequence: missense variant. On other transcripts: intron variant (68).
Genome position (GRCh38, 1-based): chr4:113,354,452, C>T. VCF-style: chr4-113354452-C-T. GRCh37 (hg19) VCF-style: chr4-114275608-C-T.
Other names: c.4240+4203C>T (NM_001354249.2, NM_001354266.2, NM_001354276.2 and 2 more transcripts); c.4207+4203C>T (NM_001386146.1, NM_001386150.1, NM_001386149.1 and 1 more transcripts); c.4192+4203C>T (NM_001354274.2, NM_001386154.1); c.4141+4203C>T (NM_001386151.1, NM_001354260.2, NM_001354271.2); c.4042+4203C>T (NM_001386157.1, NM_001354277.2); c.4360+4203C>T (NM_001386161.1, NM_001354244.2, NM_001354256.2); c.4285+4203C>T (NM_001354261.2); c.4165+4203C>T (NM_001386156.1, NM_001354257.2); and 35 more; short protein forms T1984M, T1945M, T1992M, T1867M, T745M.
Identifiers: ClinVar variation 2900416 (VCV002900416.3), dbSNP rs762027070, ClinGen allele CA3051312.
Genomic context (GRCh38, chr4:113,354,452, plus strand): 5'-ACCCGCCAGTATCGCCTGGGAGAACAGAAAAACGCTTGCCTGTTTCACCCTCCGGAAGAA[C>T]GGACAAGCACCAACCTGTATCAACAGCTGGGAAAACTGAGAAGCACCTGCCTGTGTCACC-3'
Protein context (NP_001139.3, residues 1935-1955): KRLPVSPSGR[Thr1945Met]DKHQPVSTAG